The following is an entry in ClinVar:

ClinVar aggregate classification (germline): Uncertain significance (1 of 4 stars; one submission).

gnomAD v4.1: 1 of 1,613,826 alleles (0.000062%); highest among the groups gnomAD compares: Admixed American, 0.0017%; no homozygotes.

Submission:

CeGaT Center for Human Genetics Tuebingen
Classification: Uncertain significance. Last evaluated: 2026-05-01. Review status: criteria provided, single submitter. Criteria: CeGaT Center For Human Genetics Tuebingen Variant Classification Criteria Version 2. Collection method: clinical testing. Allele origin: germline. Affected: yes. Observed: 2 variant alleles.
Comment: DOCK4: PM2:Supporting, BP4

NM_001363540.2(DOCK4):c.2366A>G (p.Asp789Gly)

Gene: DOCK4 (dedicator of cytokinesis 4; minus strand). Cytogenetic location: 7q31.1.
Variant type: single nucleotide variant.
Coding change: c.2366A>G on transcript NM_001363540.2 (MANE Select); coding-DNA position 2366, A replaced by G.
Protein change: p.Asp789Gly; replaces aspartic acid 789 with glycine.
Molecular consequence: missense variant.
Genome position (GRCh38, 1-based): chr7:111,863,479, T>C on the plus strand (A>G on the coding strand, the complement: DOCK4 is on the minus strand). VCF-style: chr7-111863479-T-C. GRCh37 (hg19) VCF-style: chr7-111503535-T-C.
Other names: c.2366A>G, p.Asp789Gly (NM_014705.4); short protein forms D789G.
Identifiers: ClinVar variation 4535181 (VCV004535181.6).